The following is an entry in ClinVar:

NM_000388.4(CASR):c.2791A>C (p.Lys931Gln)

Gene: CASR (calcium sensing receptor; plus strand). Cytogenetic location: 3q21.1.
Variant type: single nucleotide variant.
Coding change: c.2791A>C on transcript NM_000388.4 (MANE Select); coding-DNA position 2791, A replaced by C.
Protein change: p.Lys931Gln; replaces lysine 931 with glutamine.
Molecular consequence: missense variant.
Genome position (GRCh38, 1-based): chr3:122,284,745, A>C. VCF-style: chr3-122284745-A-C. GRCh37 (hg19) VCF-style: chr3-122003592-A-C.
Other names: c.2821A>C, p.Lys941Gln (NM_001178065.2); short protein forms K931Q, K941Q.
Identifiers: ClinVar variation 532580 (VCV000532580.11), dbSNP rs746005172, ClinGen allele CA2569866.

ClinVar aggregate classification (germline): Uncertain significance. Review status: criteria provided, multiple submitters, no conflicts (2 of 4 stars). 2 submissions from 2 submitters: Uncertain significance (2). Last evaluated 2026-08-06.

Conditions:
Epilepsy, idiopathic generalized, susceptibility to, 8. Identifiers: MedGen C2752062, MONDO:0013032, OMIM 612899.
Autosomal dominant hypocalcemia 1 (HYPOC1). Also called: HYPOCALCEMIA, FAMILIAL. Identifiers: MedGen C3715128, MONDO:0011013, OMIM 601198.
Familial hypocalciuric hypercalcemia (FHH). Also called: Familial benign hypercalcemia. Identifiers: Orphanet 405, MedGen C1809471, MONDO:0018458.

Allele frequency attached by ClinVar (database versions not stated): gnomAD exomes 0.00001 and below 0.00001; ExAC 0.00001; TOPMed 0.00002.
gnomAD v4.1: 3 of 1,614,146 alleles (0.00019%); highest among the groups gnomAD compares: Admixed American, 0.0033%; no homozygotes.

Submissions (2):

OLLIN Analises Genomicas, OLLIN
Classification: Uncertain significance for Epilepsy, idiopathic generalized, susceptibility to, 8. Last evaluated: 2026-08-06. Review status: criteria provided, single submitter. Criteria: ACMG Guidelines 2015 PMID 25741868. Collection method: clinical testing. Allele origin: germline. Inheritance: Autosomal dominant inheritance.
Comment: This missense variant, located in exon 7 (of 7), has been reported in ClinVar (accession VCV000532580.10) and in gnomAD with an allele frequency of 0.00019%. However, to our knowledge, it has not been reported in the scientific literature. In silico analysis predicts that this variant has a tolerated effect. This gene is constrained for missense variation. According to the currently available evidence, this variant has been classified as uncertain significance (PP2, BP4_M).

Labcorp Genetics (formerly Invitae), Labcorp
Classification: Uncertain significance for Familial hypocalciuric hypercalcemia; Autosomal dominant hypocalcemia 1. Last evaluated: 2022-07-10. Review status: criteria provided, single submitter. Criteria: Invitae Variant Classification Sherloc (09022015). Collection method: clinical testing. Allele origin: germline.
Comment: In summary, the available evidence is currently insufficient to determine the role of this variant in disease. Therefore, it has been classified as a Variant of Uncertain Significance. This sequence change replaces lysine, which is basic and polar, with glutamine, which is neutral and polar, at codon 931 of the CASR protein (p.Lys931Gln). This variant is present in population databases (rs746005172, gnomAD 0.006%). This variant has not been reported in the literature in individuals affected with CASR-related conditions. ClinVar contains an entry for this variant (Variation ID: 532580). Algorithms developed to predict the effect of missense changes on protein structure and function are either unavailable or do not agree on the potential impact of this missense change (SIFT: "Deleterious"; PolyPhen-2: "Benign"; Align-GVGD: "Class C0").